The following is an entry in ClinVar:

NM_001366521.1(ATP2B1):c.1588-2A>G

Gene: ATP2B1 (ATPase plasma membrane Ca2+ transporting 1; minus strand). Cytogenetic location: 12q21.33.
Variant type: single nucleotide variant.
Coding change: c.1588-2A>G on transcript NM_001366521.1 (MANE Select); the canonical splice acceptor site of the intron before coding-DNA position 1588, A replaced by G.
Molecular consequence: splice acceptor variant.
Genome position (GRCh38, 1-based): chr12:89,620,242, T>C on the plus strand (A>G on the coding strand, the complement: ATP2B1 is on the minus strand). VCF-style: chr12-89620242-T-C. GRCh37 (hg19) VCF-style: chr12-90014019-T-C.
Other names: c.1390-2A>G (NM_001413053.1, NM_001366530.1); c.1027-2A>G (NM_001413060.1, NM_001366531.1, NM_001413058.1 and 2 more transcripts); c.1333-2A>G (NM_001413056.1); c.1447-2A>G (NM_001413051.1, NM_001413055.1, NM_001413052.1); c.1549-2A>G (NM_001413048.1); c.1345-2A>G (NM_001413054.1); c.1588-2A>G (NM_001413050.1, NM_001366529.1, NM_001366528.1 and 12 more transcripts); c.1135-2A>G (NM_001413057.1).
Identifiers: ClinVar variation 5018749 (VCV005018749.1).

ClinVar aggregate classification (germline): Likely pathogenic (1 of 4 stars; one submission).

Conditions:
Intellectual developmental disorder, autosomal dominant 66. Also called: MENTAL RETARDATION, AUTOSOMAL DOMINANT 66. Identifiers: MedGen C5677000, MONDO:0030891, OMIM 619910.

Submission:

Juno Genomics, Hangzhou Juno Genomics, Inc
Classification: Likely pathogenic for Intellectual developmental disorder, autosomal dominant 66. Review status: criteria provided, single submitter. Criteria: ACMG Guidelines, 2015. Collection method: clinical testing. Allele origin: germline. Affected: yes.
Comment: Absent from controls (or at extremely low frequency if recessive) in Genome Aggregation Database.;Null variant in a gene where loss of function (LOF) is a known mechanism of disease.